The following is an entry in ClinVar:

NM_000373.4(UMPS):c.*1319G>A

Gene: UMPS (uridine monophosphate synthetase; plus strand). Cytogenetic location: 3q21.2.
Variant type: single nucleotide variant.
Coding change: c.*1319G>A on transcript NM_000373.4 (MANE Select); 1319 bases downstream of the stop codon, G replaced by A.
Molecular consequence: 3 prime UTR variant. On other transcripts: non-coding transcript variant (2).
Genome position (GRCh38, 1-based): chr3:124,745,403, G>A. VCF-style: chr3-124745403-G-A. GRCh37 (hg19) VCF-style: chr3-124464250-G-A.
Identifiers: ClinVar variation 342957 (VCV000342957.5), dbSNP rs821375, ClinGen allele CA2581986.

ClinVar aggregate classification (germline): Benign (1 of 4 stars; one submission).

Conditions:
Oroticaciduria. Also called: Orotic aciduria. Identifiers: Orphanet 30, MedGen C0268128, HP:0003218.

Allele frequency attached by ClinVar (database versions not stated): 1000 Genomes Project 0.07348; ExAC 0.01764; gnomAD 0.06993 and 0.07438; 1000 Genomes Project 30x 0.07776; gnomAD exomes 0.02129 and 0.02539; TOPMed 0.07831.
gnomAD v4.1: 17,035 of 451,666 alleles (3.8%); highest among the groups gnomAD compares: African/African-American, 20%; 1,129 homozygotes.

Submission:

Illumina Laboratory Services, Illumina
Classification: Benign for Hereditary orotic aciduria. Last evaluated: 2018-01-13. Review status: criteria provided, single submitter. Criteria: ICSL Variant Classification Criteria 13 December 2019. Collection method: clinical testing. Allele origin: germline.
Comment: This variant was observed in the ICSL laboratory as part of a predisposition screen in an ostensibly healthy population. It had not been previously curated by ICSL or reported in the Human Gene Mutation Database (HGMD: prior to June 1st, 2018), and was therefore a candidate for classification through an automated scoring system. Utilizing variant allele frequency, disease prevalence and penetrance estimates, and inheritance mode, an automated score was calculated to assess if this variant is too frequent to cause the disease. Based on the score and internal cut-off values, a variant classified as benign is not then subjected to further curation. The score for this variant resulted in a classification of benign for this disease.